The following is an entry in ClinVar:

ClinVar aggregate classification (germline): Uncertain significance. Review status: criteria provided, multiple submitters, no conflicts (2 of 4 stars). 2 submissions from 2 submitters: Uncertain significance (2). Last evaluated 2025-08-29.

gnomAD v4.1: 3 of 1,612,684 alleles (0.00019%); highest among the groups gnomAD compares: Non-Finnish European, 0.00017%; no homozygotes.

Submissions (2):

Labcorp Genetics (formerly Invitae), Labcorp
Classification: Uncertain significance. Last evaluated: 2025-08-29. Review status: criteria provided, single submitter. Criteria: Invitae Variant Classification Sherloc (09022015). Collection method: clinical testing. Allele origin: germline.
Comment: This sequence change replaces glutamine, which is neutral and polar, with arginine, which is basic and polar, at codon 1684 of the MYH9 protein (p.Gln1684Arg). This variant is not present in population databases (gnomAD no frequency). This variant has not been reported in the literature in individuals affected with MYH9-related conditions. ClinVar contains an entry for this variant (Variation ID: 3768317). Invitae Evidence Modeling of protein sequence and biophysical properties (such as structural, functional, and spatial information, amino acid conservation, physicochemical variation, residue mobility, and thermodynamic stability) indicates that this missense variant is not expected to disrupt MYH9 protein function with a negative predictive value of 95%. In summary, the available evidence is currently insufficient to determine the role of this variant in disease. Therefore, it has been classified as a Variant of Uncertain Significance.

Women's Health and Genetics/Laboratory Corporation of America, LabCorp
Classification: Uncertain significance. Last evaluated: 2024-12-03. Review status: criteria provided, single submitter. Criteria: LabCorp Variant Classification Summary - May 2015. Collection method: clinical testing. Allele origin: germline.
Comment: Variant summary: MYH9 c.5051A>G (p.Gln1684Arg) results in a conservative amino acid change in the encoded protein sequence. Four of five in-silico tools predict a benign effect of the variant on protein function. The variant was absent in 250396 control chromosomes. The available data on variant occurrences in the general population are insufficient to allow any conclusion about variant significance. To our knowledge, no occurrence of c.5051A>G in individuals affected with Macrothrombocytopenia And Granulocyte Inclusions With Or Without Nephritis Or Sensorineural Hearing Loss and no experimental evidence demonstrating its impact on protein function have been reported. No submitters have cited clinical-significance assessments for this variant to ClinVar. Based on the evidence outlined above, the variant was classified as uncertain significance.

NM_002473.6(MYH9):c.5051A>G (p.Gln1684Arg)

Gene: MYH9 (myosin heavy chain 9; minus strand). Cytogenetic location: 22q12.3.
Variant type: single nucleotide variant.
Coding change: c.5051A>G on transcript NM_002473.6 (MANE Select); coding-DNA position 5051, A replaced by G.
Protein change: p.Gln1684Arg; replaces glutamine 1684 with arginine.
Molecular consequence: missense variant.
Genome position (GRCh38, 1-based): chr22:36,286,728, T>C on the plus strand (A>G on the coding strand, the complement: MYH9 is on the minus strand). VCF-style: chr22-36286728-T-C. GRCh37 (hg19) VCF-style: chr22-36682774-T-C.
Other names: short protein forms Q1684R.
Identifiers: ClinVar variation 3768317 (VCV003768317.2).